The following is an entry in ClinVar:

NM_000732.6(CD3D):c.18dup (p.Leu7fs)

Gene: CD3D (CD3 delta subunit of T-cell receptor complex; minus strand). Cytogenetic location: 11q23.3.
Variant type: Duplication.
Coding change: c.18dup on transcript NM_000732.6 (MANE Select); coding-DNA position 18, one base duplicated (T; older notation c.18dupT).
Protein change: p.Leu7fs; shifts the reading frame from leucine 7.
Molecular consequence: frameshift variant.
Genome position (GRCh38, 1-based): chr11:118,342,590, A duplicated on the plus strand (T on the coding strand, the reverse complement: CD3D is on the minus strand); the first of 3 consecutive A bases (chr11:118,342,590-118,342,592); duplicating any one gives the same sequence. VCF-style (leftmost placement, unchanged base first): chr11-118342589-G-GA. GRCh37 (hg19) VCF-style: chr11-118213304-G-GA.
Other names: c.18dup, p.Leu7fs (NM_001040651.2); short protein forms L7fs.
Identifiers: ClinVar variation 2739601 (VCV002739601.4), dbSNP rs1311932817, ClinGen allele CA672357716.

ClinVar aggregate classification (germline): Pathogenic/Likely pathogenic. Review status: criteria provided, multiple submitters, no conflicts (2 of 4 stars). 2 submissions from 2 submitters: Pathogenic (1); Likely pathogenic (1). Last evaluated 2024-03-12.

Conditions:
Immunodeficiency 19 (IMD19). Also called: CD3-DELTA DEFICIENCY; SEVERE COMBINED IMMUNODEFICIENCY, T CELL-NEGATIVE, B CELL-POSITIVE, NK CELL-POSITIVE; SCID, T CELL-NEGATIVE, B CELL-POSITIVE, NK CELL-POSITIVE; IMMUNODEFICIENCY 19, SEVERE COMBINED. Identifiers: MedGen C3810147, MONDO:0014280, OMIM 615617.

Submissions (2):

Fulgent Genetics
Classification: Likely pathogenic for Immunodeficiency 19. Last evaluated: 2024-03-12. Review status: criteria provided, single submitter. Criteria: ACMG Guidelines, 2015. Collection method: clinical testing. Allele origin: germline.

Labcorp Genetics (formerly Invitae), Labcorp
Classification: Pathogenic for Immunodeficiency 19. Last evaluated: 2023-03-18. Review status: criteria provided, single submitter. Criteria: Invitae Variant Classification Sherloc (09022015). Collection method: clinical testing. Allele origin: germline.
Comment: This sequence change creates a premature translational stop signal (p.Leu7Serfs*24) in the CD3D gene. It is expected to result in an absent or disrupted protein product. Loss-of-function variants in CD3D are known to be pathogenic (PMID: 14602880, 15546002). For these reasons, this variant has been classified as Pathogenic. This variant has not been reported in the literature in individuals affected with CD3D-related conditions. This variant is not present in population databases (gnomAD no frequency).

Literature cited by the submitters: PubMed 14602880 (cited by Labcorp Genetics (formerly Invitae), Labcorp); PubMed 15546002 (cited by Labcorp Genetics (formerly Invitae), Labcorp).